The following is an entry in ClinVar:

NM_001048174.2(MUTYH):c.215T>A (p.Leu72Gln)

Gene: MUTYH (mutY DNA glycosylase; minus strand). Cytogenetic location: 1p34.1.
Variant type: single nucleotide variant.
Coding change: c.215T>A on transcript NM_001048174.2 (MANE Select); coding-DNA position 215, T replaced by A.
Protein change: p.Leu72Gln; replaces leucine 72 with glutamine.
Molecular consequence: missense variant. On other transcripts: 5 prime UTR variant (4), non-coding transcript variant (2).
Genome position (GRCh38, 1-based): chr1:45,333,462, A>T on the plus strand (T>A on the coding strand, the complement: MUTYH is on the minus strand). VCF-style: chr1-45333462-A-T. GRCh37 (hg19) VCF-style: chr1-45799134-A-T.
Other names: p.L100Q:CTG>CAG; c.215T>A, p.Leu72Gln (NM_001048171.2, NM_001048173.2, NM_001293195.2); c.218T>A, p.Leu73Gln (NM_001048172.2); c.299T>A, p.Leu100Gln (NM_001128425.2); c.260T>A, p.Leu87Gln (NM_001293190.2); c.248T>A, p.Leu83Gln (NM_001293191.2); c.-62T>A (NM_001293192.2, NM_001293196.2); c.-57T>A (NM_001350650.2, NM_001350651.2); and 1 more; short protein forms L100Q, L72Q, L83Q, L87Q, L73Q, L97Q.
Identifiers: ClinVar variation 182686 (VCV000182686.8), dbSNP rs730881831, ClinGen allele CA013315.
Genomic context (GRCh38, chr1:45,333,462, plus strand): 5'-CGCCTGCCTACCCGTCTTCTCCATGGTAGGTCCCGTTTCTCTTGGTCGTACCAGCTTAGC[A>T]GGCTCCCTCGGAAGGCTGTGACTTCAGCTACGTCTCTGAATAGATGGTATGAGGAGACAG-3'
Protein context (NP_001041639.1, residues 62-82): VAEVTAFRGS[Leu72Gln]LSWYDQEKRD

ClinVar aggregate classification (germline): Conflicting classifications of pathogenicity. Review status: criteria provided, conflicting classifications (1 of 4 stars). 2 submissions from 2 submitters: Likely pathogenic (1); Uncertain significance (1). Last evaluated 2025-08-15.

Conditions:
Hereditary cancer-predisposing syndrome. Also called: Tumor predisposition; Hereditary Cancer Syndrome; Hereditary neoplastic syndrome; Neoplastic Syndromes, Hereditary. Identifiers: Orphanet 140162, MedGen C0027672, MeSH D009386, MONDO:0015356.

Submissions (2):

Ambry Genetics
Classification: Likely pathogenic for Hereditary cancer-predisposing syndrome. Last evaluated: 2025-08-15. Review status: criteria provided, single submitter. Criteria: Ambry Variant Classification Scheme 2023. Collection method: clinical testing. Allele origin: germline.
Comment: The p.L100Q variant (also known as c.299T>A), located in coding exon 3 of the MUTYH gene, results from a T to A substitution at nucleotide position 299. The leucine at codon 100 is replaced by glutamine, an amino acid with dissimilar properties. In a massively parallel cell-based functional assay testing 7,8-dihydro-8-oxoguanine:adenine (8OG:A) repair activity, a byproduct of oxidative damage, this variant was reported to be non-functional (Hemker SL et al. Am J Hum Genet. Published online July 29, 2025. DOI: 10.1016/j.ajhg.2025.07.005). This amino acid position is highly conserved in available vertebrate species. In addition, this alteration is predicted to be deleterious by in silico analysis. This variant is considered to be rare based on population cohorts in the Genome Aggregation Database (gnomAD). Based on the majority of available evidence to date, this variant is likely to be pathogenic.

GeneDx
Classification: Uncertain significance. Last evaluated: 2014-09-11. Review status: criteria provided, single submitter. Criteria: GeneDx Variant Classification (06012015). Collection method: clinical testing. Allele origin: germline. Affected: yes.
Comment: This variant is denoted MUTYH c.299T>A at the cDNA level, p.Leu100Gln (L100Q) at the protein level, and results in the change of a Leucine to a Glutamine (CTG>CAG). This variant has not, to our knowledge, been published in the literature as pathogenic or benign. MUTYH Leu100Gln was not observed in approximately 6,500 individuals of European and African American ancestry in the NHLBI Exome Sequencing Project, indicating it is not a common benign variant in these populations. Since Leucine and Glutamine differ in polarity, charge, size or other properties, this is considered a non-conservative amino acid substitution. MUTYH Leu100Gln occurs at a position that is well conserved across species and is not located in a known functional domain (UniProt). In silico analyses predict that this variant is probably damaging to protein structure and function. Based on currently available information, it is unclear whether MUTYH Leu100Gln is pathogenic or benign. We consider it to be a variant of uncertain significance.

Literature cited by the submitters: PubMed 40738107 (cited by Ambry Genetics).